The following is an entry in ClinVar:

NM_000264.5(PTCH1):c.25G>A (p.Glu9Lys)

Genes: PTCH1 (patched 1; minus strand), LOC130002133 (ATAC-STARR-seq lymphoblastoid silent region 20071; plus strand). Cytogenetic location: 9q22.32.
Variant type: single nucleotide variant.
Coding change: c.25G>A on transcript NM_000264.5 (MANE Select); coding-DNA position 25, G replaced by A.
Protein change: p.Glu9Lys; replaces glutamic acid 9 with lysine.
Molecular consequence: missense variant. On other transcripts: non-coding transcript variant (1), intron variant (3).
Genome position (GRCh38, 1-based): chr9:95,508,337, C>T on the plus strand (G>A on the coding strand, the complement: PTCH1 is on the minus strand). VCF-style: chr9-95508337-C-T. GRCh37 (hg19) VCF-style: chr9-98270619-C-T.
Other names: c.25G>A, p.Glu9Lys (NM_001354918.2); c.199-1738G>A (NM_001083603.3); c.4-1738G>A (NM_001083602.3, NM_001354919.2); short protein forms E9K.
Identifiers: ClinVar variation 836316 (VCV000836316.12), dbSNP rs1843914121, ClinGen allele CA374121660.

ClinVar aggregate classification (germline): Conflicting classifications of pathogenicity. Review status: criteria provided, conflicting classifications (1 of 4 stars). 3 submissions from 3 submitters: Uncertain significance (2); Likely benign (1). Last evaluated 2026-01-09.

Conditions:
Gorlin syndrome. Also called: Basal cell nevus syndrome; Nevoid Basal Cell Carcinoma Syndrome. Identifiers: Orphanet 377, MedGen C0004779, MONDO:0007187.
Hereditary cancer-predisposing syndrome. Also called: Neoplastic Syndromes, Hereditary; Hereditary neoplastic syndrome; Tumor predisposition; Hereditary Cancer Syndrome. Identifiers: Orphanet 140162, MedGen C0027672, MeSH D009386, MONDO:0015356.
Basal cell carcinoma, susceptibility to, 1. Also called: BCC1. Identifiers: MedGen C2751544, MONDO:0011556, OMIM 605462.

Allele frequency attached by ClinVar (database versions not stated): gnomAD exomes below 0.00001.
gnomAD v4.1: 3 of 1,268,938 alleles (0.00024%); highest among the groups gnomAD compares: Non-Finnish European, 0.0003%; no homozygotes.

Submissions (3):

Labcorp Genetics (formerly Invitae), Labcorp
Classification: Uncertain significance for Gorlin syndrome. Last evaluated: 2026-01-09. Review status: criteria provided, single submitter. Criteria: Invitae Variant Classification Sherloc (09022015). Collection method: clinical testing. Allele origin: germline.
Comment: This sequence change replaces glutamic acid, which is acidic and polar, with lysine, which is basic and polar, at codon 9 of the PTCH1 protein (p.Glu9Lys). This variant is not present in population databases (gnomAD no frequency). This variant has not been reported in the literature in individuals affected with PTCH1-related conditions. ClinVar contains an entry for this variant (Variation ID: 836316). Invitae Evidence Modeling of protein sequence and biophysical properties (such as structural, functional, and spatial information, amino acid conservation, physicochemical variation, residue mobility, and thermodynamic stability) indicates that this missense variant is not expected to disrupt PTCH1 protein function with a negative predictive value of 95%. In summary, the available evidence is currently insufficient to determine the role of this variant in disease. Therefore, it has been classified as a Variant of Uncertain Significance.

Ambry Genetics
Classification: Likely benign for Hereditary cancer-predisposing syndrome. Last evaluated: 2025-06-20. Review status: criteria provided, single submitter. Criteria: Ambry Variant Classification Scheme 2023. Collection method: clinical testing. Allele origin: germline.

Baylor Genetics
Classification: Uncertain significance for Basal cell carcinoma, susceptibility to, 1. Last evaluated: 2024-02-26. Review status: criteria provided, single submitter. Criteria: ACMG Guidelines, 2015. Collection method: clinical testing. Allele origin: unknown.